The following is an entry in ClinVar:

NM_000043.6(FAS):c.490A>G (p.Lys164Glu)

Gene: FAS (Fas cell surface death receptor; plus strand). Cytogenetic location: 10q23.31.
Variant type: single nucleotide variant.
Coding change: c.490A>G on transcript NM_000043.6 (MANE Select); coding-DNA position 490, A replaced by G.
Protein change: p.Lys164Glu; replaces lysine 164 with glutamic acid.
Molecular consequence: missense variant. On other transcripts: non-coding transcript variant (7).
Genome position (GRCh38, 1-based): chr10:89,010,585, A>G. VCF-style: chr10-89010585-A-G. GRCh37 (hg19) VCF-style: chr10-90770342-A-G.
Other names: c.490A>G, p.Lys164Glu (NM_001320619.2, NM_152871.4, NM_152872.4); c.535A>G, p.Lys179Glu (NM_001410956.1); short protein forms K164E, K179E.
Identifiers: ClinVar variation 2802944 (VCV002802944.3), dbSNP rs1295043003, ClinGen allele CA377509008.

ClinVar aggregate classification (germline): Uncertain significance (1 of 4 stars; one submission).

Conditions:
Autoimmune lymphoproliferative syndrome type 1. Also called: AUTOIMMUNE LYMPHOPROLIFERATIVE SYNDROME, TYPE I, AUTOSOMAL DOMINANT. Identifiers: Orphanet 3261, MedGen C2717884, MONDO:0011158, OMIM 601859.

Allele frequency attached by ClinVar (database versions not stated): gnomAD exomes below 0.00001; TOPMed below 0.00001.
gnomAD v4.1: 1 of 1,613,904 alleles (0.000062%); highest among the groups gnomAD compares: Non-Finnish European, 0.000085%; no homozygotes.

Submission:

Labcorp Genetics (formerly Invitae), Labcorp
Classification: Uncertain significance for Autoimmune lymphoproliferative syndrome. Last evaluated: 2023-09-23. Review status: criteria provided, single submitter. Criteria: Invitae Variant Classification Sherloc (09022015). Collection method: clinical testing. Allele origin: germline.
Comment: This sequence change replaces lysine, which is basic and polar, with glutamic acid, which is acidic and polar, at codon 164 of the FAS protein (p.Lys164Glu). This variant is not present in population databases (gnomAD no frequency). This variant has not been reported in the literature in individuals affected with FAS-related conditions. In summary, the available evidence is currently insufficient to determine the role of this variant in disease. Therefore, it has been classified as a Variant of Uncertain Significance. Advanced modeling of protein sequence and biophysical properties (such as structural, functional, and spatial information, amino acid conservation, physicochemical variation, residue mobility, and thermodynamic stability) has been performed at Invitae for this missense variant, however the output from this modeling did not meet the statistical confidence thresholds required to predict the impact of this variant on FAS protein function.